The following is an entry in ClinVar:

NM_021076.4(NEFH):c.846_862dup (p.Gln288fs)

Gene: NEFH (neurofilament heavy chain; plus strand). Cytogenetic location: 22q12.2.
Variant type: Duplication.
Coding change: c.846_862dup on transcript NM_021076.4 (MANE Select); coding-DNA positions 846 to 862, 17 bases duplicated (GGTGCAGAGCACGCTGC).
Protein change: p.Gln288fs; shifts the reading frame from glutamine 288.
Molecular consequence: frameshift variant.
Genome position (GRCh38, 1-based): chr22:29,481,108-29,481,124, GGTGCAGAGCACGCTGC duplicated; duplicating any 17 consecutive bases within chr22:29,481,106-29,481,124 gives the same sequence; the c. name uses the placement nearest the transcript's 3' end. VCF-style (leftmost placement, unchanged base first): chr22-29481105-C-CGCGGTGCAGAGCACGCT. GRCh37 (hg19) VCF-style: chr22-29877094-C-CGCGGTGCAGAGCACGCT.
Other names: short protein forms Q288fs.
Identifiers: ClinVar variation 2760433 (VCV002760433.3), dbSNP rs2517969800, ClinGen allele CA2697552598.

ClinVar aggregate classification (germline): Uncertain significance (1 of 4 stars; one submission).

Submission:

Labcorp Genetics (formerly Invitae), Labcorp
Classification: Uncertain significance. Last evaluated: 2024-01-26. Review status: criteria provided, single submitter. Criteria: Invitae Variant Classification Sherloc (09022015). Collection method: clinical testing. Allele origin: germline.
Comment: This sequence change creates a premature translational stop signal (p.Gln288Argfs*14) in the NEFH gene. It is expected to result in an absent or disrupted protein product. However, the current clinical and genetic evidence is not sufficient to establish whether loss-of-function variants in NEFH cause disease. This variant is not present in population databases (gnomAD no frequency). This variant has not been reported in the literature in individuals affected with NEFH-related conditions. In summary, the available evidence is currently insufficient to determine the role of this variant in disease. Therefore, it has been classified as a Variant of Uncertain Significance.